The following is an entry in ClinVar:

ClinVar aggregate classification (germline): Uncertain significance (1 of 4 stars; one submission).

Conditions:
Joubert syndrome. Also called: CEREBELLOPARENCHYMAL DISORDER IV; JOUBERT-BOLTSHAUSER SYNDROME; Familial aplasia of the vermis. Identifiers: Orphanet 475, MedGen C5979921, MONDO:0018772.

Allele frequency attached by ClinVar (database versions not stated): gnomAD exomes below 0.00001 and 0.00001.
gnomAD v4.1: 21 of 1,614,024 alleles (0.0013%); highest among the groups gnomAD compares: Non-Finnish European, 0.0017%; no homozygotes.

Submission:

Labcorp Genetics (formerly Invitae), Labcorp
Classification: Uncertain significance for Joubert syndrome. Last evaluated: 2022-08-22. Review status: criteria provided, single submitter. Criteria: Invitae Variant Classification Sherloc (09022015). Collection method: clinical testing. Allele origin: germline.
Comment: This sequence change replaces isoleucine, which is neutral and non-polar, with valine, which is neutral and non-polar, at codon 123 of the TMEM216 protein (p.Ile123Val). This variant is present in population databases (no rsID available, gnomAD 0.0009%). This variant has not been reported in the literature in individuals affected with TMEM216-related conditions. ClinVar contains an entry for this variant (Variation ID: 1444515). Algorithms developed to predict the effect of missense changes on protein structure and function are either unavailable or do not agree on the potential impact of this missense change (SIFT: "Deleterious"; PolyPhen-2: "Benign"; Align-GVGD: "Class C0"). In summary, the available evidence is currently insufficient to determine the role of this variant in disease. Therefore, it has been classified as a Variant of Uncertain Significance.

NM_001173990.3(TMEM216):c.367A>G (p.Ile123Val)

Gene: TMEM216 (transmembrane protein 216; plus strand). Cytogenetic location: 11q12.2.
Variant type: single nucleotide variant.
Coding change: c.367A>G on transcript NM_001173990.3 (MANE Select); coding-DNA position 367, A replaced by G.
Protein change: p.Ile123Val; replaces isoleucine 123 with valine.
Molecular consequence: missense variant.
Genome position (GRCh38, 1-based): chr11:61,397,911, A>G. VCF-style: chr11-61397911-A-G. GRCh37 (hg19) VCF-style: chr11-61165383-A-G.
Other names: c.367A>G, p.Ile123Val (NM_001173991.3); c.184A>G, p.Ile62Val (NM_001330285.2, NM_016499.6); short protein forms I62V, I123V.
Identifiers: ClinVar variation 1444515 (VCV001444515.5), dbSNP rs1202088377, ClinGen allele CA380686433.
Genomic context (GRCh38, chr11:61,397,911, plus strand): 5'-GCCTCCTATTACCTGCTGCTGCAGACCTACGTACTCCGCCTGGAAGCCATCATGAATGGC[A>G]TCTTGCTCTTCTTCTGTGGCTCAGAGCTTTTACTTGAGGTGCTCACCTTGGCTGCTTTCT-3'
Protein context (NP_001167461.1, residues 113-133): VLRLEAIMNG[Ile123Val]LLFFCGSELL